The following is an entry in ClinVar:

NM_016955.4(SEPSECS):c.296del (p.Gly99fs)

Gene: SEPSECS (Sep (O-phosphoserine) tRNA:Sec (selenocysteine) tRNA synthase; minus strand). Cytogenetic location: 4p15.2.
Variant type: Deletion.
Coding change: c.296del on transcript NM_016955.4 (MANE Select); coding-DNA position 296, one base deleted (G; older notation c.296delG).
Protein change: p.Gly99fs; shifts the reading frame from glycine 99.
Molecular consequence: frameshift variant.
Genome position (GRCh38, 1-based): chr4:25,156,948, C deleted on the plus strand (G on the coding strand, the reverse complement: SEPSECS is on the minus strand); the first of 2 consecutive C bases (chr4:25,156,948-25,156,949); deleting either gives the same sequence. VCF-style (leftmost placement, unchanged base first): chr4-25156947-AC-A. GRCh37 (hg19) VCF-style: chr4-25158569-AC-A.
Other names: c.551del, p.Gly184fs (NM_001410714.1); c.295delG, p.Gly99Valfs (NM_153825.2); short protein forms G184fs, G99fs.
Identifiers: ClinVar variation 2823635 (VCV002823635.3), dbSNP rs2474683044, ClinGen allele CA2670197278.

ClinVar aggregate classification (germline): Pathogenic (1 of 4 stars; one submission).

Submission:

Labcorp Genetics (formerly Invitae), Labcorp
Classification: Pathogenic. Last evaluated: 2022-12-31. Review status: criteria provided, single submitter. Criteria: Invitae Variant Classification Sherloc (09022015). Collection method: clinical testing. Allele origin: germline.
Comment: This sequence change creates a premature translational stop signal (p.Gly99Valfs*16) in the SEPSECS gene. It is expected to result in an absent or disrupted protein product. Loss-of-function variants in SEPSECS are known to be pathogenic (PMID: 25558065, 25590979, 26115735). This variant is not present in population databases (gnomAD no frequency). This variant has not been reported in the literature in individuals affected with SEPSECS-related conditions. For these reasons, this variant has been classified as Pathogenic.

Literature cited by the submitters: PubMed 25558065; PubMed 25590979; PubMed 26115735.